The following is an entry in ClinVar:

NM_032444.4(SLX4):c.1969G>T (p.Val657Leu)

Gene: SLX4 (SLX4 structure-specific endonuclease subunit; minus strand). Cytogenetic location: 16p13.3.
Variant type: single nucleotide variant.
Coding change: c.1969G>T on transcript NM_032444.4 (MANE Select); coding-DNA position 1969, G replaced by T.
Protein change: p.Val657Leu; replaces valine 657 with leucine.
Molecular consequence: missense variant.
Genome position (GRCh38, 1-based): chr16:3,595,649, C>A on the plus strand (G>T on the coding strand, the complement: SLX4 is on the minus strand). VCF-style: chr16-3595649-C-A. GRCh37 (hg19) VCF-style: chr16-3645650-C-A.
Other names: short protein forms V657L.
Identifiers: ClinVar variation 2002577 (VCV002002577.4), dbSNP rs1327077245, ClinGen allele CA394526642.
Genomic context (GRCh38, chr16:3,595,649, plus strand): 5'-CAGAGCCAGTTCTTACCAAGGTGCGGCCGCCCCTGTCCGGGTGCTTGTCCTGCGATGGCA[C>A]CACAAACCCAGTCAGAGGAAGGCCGCCGGGCACCACGTCCAACCCTGAGTGGAGGATTCA-3'
Protein context (NP_115820.2, residues 647-667): PGGLPLTGFV[Val657Leu]PSQDKHPDRG

ClinVar aggregate classification (germline): Uncertain significance (1 of 4 stars; one submission).

Conditions:
Fanconi anemia (FA). Also called: Fanconi's anemia. Identifiers: Orphanet 84, MedGen C0015625, MeSH D005199, MONDO:0019391.

gnomAD v4.1: 1 of 1,614,080 alleles (0.000062%); highest among the groups gnomAD compares: East Asian, 0.0022%; no homozygotes.

Submission:

Labcorp Genetics (formerly Invitae), Labcorp
Classification: Uncertain significance for Fanconi anemia. Last evaluated: 2022-06-07. Review status: criteria provided, single submitter. Criteria: Invitae Variant Classification Sherloc (09022015). Collection method: clinical testing. Allele origin: germline.
Comment: This sequence change replaces valine, which is neutral and non-polar, with leucine, which is neutral and non-polar, at codon 657 of the SLX4 protein (p.Val657Leu). This variant is present in population databases (no rsID available, gnomAD 0.006%). This variant has not been reported in the literature in individuals affected with SLX4-related conditions. Algorithms developed to predict the effect of missense changes on protein structure and function output the following: SIFT: "Tolerated"; PolyPhen-2: "Benign"; Align-GVGD: "Class C0". The leucine amino acid residue is found in multiple mammalian species, which suggests that this missense change does not adversely affect protein function. Algorithms developed to predict the effect of sequence changes on RNA splicing suggest that this variant may create or strengthen a splice site. In summary, the available evidence is currently insufficient to determine the role of this variant in disease. Therefore, it has been classified as a Variant of Uncertain Significance.